The following is an entry in ClinVar:

ClinVar aggregate classification (germline): Likely benign. Review status: criteria provided, single submitter (1 of 4 stars). 2 submissions from 2 submitters: Likely benign (1). 1 of the submissions does not count toward it. Last evaluated 2024-09-17.

Conditions:
TNPO3-related disorder. Also called: TNPO3-related condition.
Autosomal dominant limb-girdle muscular dystrophy type 1F (LGMDD2). Also called: Limb-girdle muscular dystrophy, type 1F; MUSCULAR DYSTROPHY, LIMB-GIRDLE, AUTOSOMAL DOMINANT 2. Identifiers: Orphanet 55595, MedGen C1842062, MONDO:0012034, OMIM 608423.

Allele frequency attached by ClinVar (database versions not stated): gnomAD exomes 0.00001; TOPMed 0.00001.
gnomAD v4.1: 7 of 1,611,054 alleles (0.00043%); highest among the groups gnomAD compares: African/African-American, 0.0027%; no homozygotes.

Submissions (2):

Labcorp Genetics (formerly Invitae), Labcorp
Classification: Likely benign for Autosomal dominant limb-girdle muscular dystrophy type 1F. Last evaluated: 2024-09-17. Review status: criteria provided, single submitter. Criteria: Invitae Variant Classification Sherloc (09022015). Collection method: clinical testing. Allele origin: germline.

PreventionGenetics, part of Exact Sciences
Classification: Likely benign for TNPO3-related condition. Last evaluated: 2020-07-28. Review status: no assertion criteria provided. Collection method: clinical testing. Allele origin: germline. Not counted in ClinVar's aggregate classification.
Comment: This variant is classified as likely benign based on ACMG/AMP sequence variant interpretation guidelines (Richards et al. 2015 PMID: 25741868, with internal and published modifications).

NM_012470.4(TNPO3):c.2179-8T>C

Gene: TNPO3 (transportin 3; minus strand). Cytogenetic location: 7q32.1.
Variant type: single nucleotide variant.
Coding change: c.2179-8T>C on transcript NM_012470.4 (MANE Select); 8 bases into the intron before coding-DNA position 2179, T replaced by C.
Molecular consequence: intron variant.
Genome position (GRCh38, 1-based): chr7:128,974,970, A>G on the plus strand (T>C on the coding strand, the complement: TNPO3 is on the minus strand). VCF-style: chr7-128974970-A-G. GRCh37 (hg19) VCF-style: chr7-128615024-A-G.
Other names: c.2035-8T>C (NM_001382221.1); c.2032-8T>C (NM_001382222.1); c.2071-8T>C (NM_001382219.1); c.1987-8T>C (NM_001382223.1, NM_001191028.3); c.2038-8T>C (NM_001382220.1); c.2179-8T>C (NM_001382218.1); c.2281-8T>C (NM_001382216.1); c.2260-8T>C (NM_001382217.1).
Identifiers: ClinVar variation 3036712 (VCV003036712.4), dbSNP rs773991624, ClinGen allele CA1742615340.